The following is an entry in ClinVar:

NM_000784.4(CYP27A1):c.884C>A (p.Ala295Asp)

Gene: CYP27A1 (cytochrome P450 family 27 subfamily A member 1; plus strand). Cytogenetic location: 2q35.
Variant type: single nucleotide variant.
Coding change: c.884C>A on transcript NM_000784.4 (MANE Select); coding-DNA position 884, C replaced by A.
Protein change: p.Ala295Asp; replaces alanine 295 with aspartic acid.
Molecular consequence: missense variant.
Genome position (GRCh38, 1-based): chr2:218,812,963, C>A. VCF-style: chr2-218812963-C-A. GRCh37 (hg19) VCF-style: chr2-219677686-C-A.
Other names: short protein forms A295D.
Identifiers: ClinVar variation 2181093 (VCV002181093.1), dbSNP rs1417655712, ClinGen allele CA350588186.
Genomic context (GRCh38, chr2:218,812,963, plus strand): 5'-TCTTCTCTGTTGCTTTCACAGGGAAGAAGCTGATTGATGAGAAGCTCGAAGATATGGAGG[C>A]CCAACTGCAGGCAGCAGGGCCAGATGGCATCCAGGTGTCTGGCTACCTGCACTTCTTACT-3'
Protein context (NP_000775.1, residues 285-305): LIDEKLEDME[Ala295Asp]QLQAAGPDGI

ClinVar aggregate classification (germline): Uncertain significance (1 of 4 stars; one submission).

Conditions:
Cholestanol storage disease (CTX). Also called: CTX: Cerebrotendinous xanthomatosis; CEREBRAL CHOLESTERINOSIS; Cerebrotendinous Xanthomatosis. Identifiers: Orphanet 909, MedGen C0238052, MONDO:0008948, OMIM 213700.

gnomAD v4.1: 3 of 1,614,244 alleles (0.00019%); highest among the groups gnomAD compares: Admixed American, 0.0033%; no homozygotes.

Submission:

Labcorp Genetics (formerly Invitae), Labcorp
Classification: Uncertain significance for Cholestanol storage disease. Last evaluated: 2022-06-12. Review status: criteria provided, single submitter. Criteria: Invitae Variant Classification Sherloc (09022015). Collection method: clinical testing. Allele origin: germline.
Comment: This sequence change replaces alanine, which is neutral and non-polar, with aspartic acid, which is acidic and polar, at codon 295 of the CYP27A1 protein (p.Ala295Asp). This variant is present in population databases (no rsID available, gnomAD 0.003%). This variant has not been reported in the literature in individuals affected with CYP27A1-related conditions. Advanced modeling of protein sequence and biophysical properties (such as structural, functional, and spatial information, amino acid conservation, physicochemical variation, residue mobility, and thermodynamic stability) performed at Invitae indicates that this missense variant is not expected to disrupt CYP27A1 protein function. In summary, the available evidence is currently insufficient to determine the role of this variant in disease. Therefore, it has been classified as a Variant of Uncertain Significance.